The following is an entry in ClinVar:

NM_020987.5(ANK3):c.781G>A (p.Val261Met)

Gene: ANK3 (ankyrin 3; minus strand). Cytogenetic location: 10q21.2.
Variant type: single nucleotide variant.
Coding change: c.781G>A on transcript NM_020987.5 (MANE Select); coding-DNA position 781, G replaced by A.
Protein change: p.Val261Met; replaces valine 261 with methionine.
Molecular consequence: missense variant.
Genome position (GRCh38, 1-based): chr10:60,261,876, C>T on the plus strand (G>A on the coding strand, the complement: ANK3 is on the minus strand). VCF-style: chr10-60261876-C-T. GRCh37 (hg19) VCF-style: chr10-62021634-C-T.
Other names: c.763G>A, p.Val255Met (NM_001204403.2); c.730G>A, p.Val244Met (NM_001204404.2); c.781G>A, p.Val261Met (NM_001320874.2); short protein forms V255M, V261M, V244M.
Identifiers: ClinVar variation 2600464 (VCV002600464.2), dbSNP rs2097811830, ClinGen allele CA376991048.
Genomic context (GRCh38, chr10:60,261,876, plus strand): 5'-GTTGCAAATGCTTTAAAGGTATTACACATTGCTGTGCTCTTACCCTTGCGGTGAAATCCA[C>T]AGCAGCCGCTCGGTTTAACAGCAACGTGGCTACATTGATATTTCCATAGTGAGCAGCTAT-3'
Protein context (NP_066267.2, residues 251-271): ATLLLNRAAA[Val261Met]DFTARNDITP

ClinVar aggregate classification (germline): Uncertain significance (1 of 4 stars; one submission).

Conditions:
Inborn genetic diseases. Identifiers: MedGen C0950123, MeSH D030342.

Allele frequency attached by ClinVar (database versions not stated): gnomAD exomes below 0.00001; TOPMed below 0.00001.

Submission:

Ambry Genetics
Classification: Uncertain significance for Inborn genetic diseases. Last evaluated: 2023-07-25. Review status: criteria provided, single submitter. Criteria: Ambry Variant Classification Scheme 2023. Collection method: clinical testing. Allele origin: germline.
Comment: The c.781G>A (p.V261M) alteration is located in exon 7 (coding exon 7) of the ANK3 gene. This alteration results from a G to A substitution at nucleotide position 781, causing the valine (V) at amino acid position 261 to be replaced by a methionine (M). This variant was not reported in population-based cohorts in the Genome Aggregation Database (gnomAD). This amino acid position is highly conserved in available vertebrate species. The in silico prediction for this alteration is inconclusive. Based on insufficient or conflicting evidence, the clinical significance of this alteration remains unclear.